The following is an entry in ClinVar:

NM_001142800.2(EYS):c.5788G>A (p.Val1930Ile)

Gene: EYS (EGF-like photoreceptor maintenance factor; minus strand). Cytogenetic location: 6q12.
Variant type: single nucleotide variant.
Coding change: c.5788G>A on transcript NM_001142800.2 (MANE Select); coding-DNA position 5788, G replaced by A.
Protein change: p.Val1930Ile; replaces valine 1930 with isoleucine.
Molecular consequence: missense variant.
Genome position (GRCh38, 1-based): chr6:64,439,209, C>T on the plus strand (G>A on the coding strand, the complement: EYS is on the minus strand). VCF-style: chr6-64439209-C-T. GRCh37 (hg19) VCF-style: chr6-65149102-C-T.
Other names: c.5788G>A, p.Val1930Ile (NM_001292009.2); short protein forms V1930I.
Identifiers: ClinVar variation 1386249 (VCV001386249.8), dbSNP rs2150466341, ClinGen allele CA364392605.

ClinVar aggregate classification (germline): Uncertain significance (1 of 4 stars; one submission).

Submission:

Labcorp Genetics (formerly Invitae), Labcorp
Classification: Uncertain significance. Last evaluated: 2022-11-28. Review status: criteria provided, single submitter. Criteria: Invitae Variant Classification Sherloc (09022015). Collection method: clinical testing. Allele origin: germline.
Comment: In summary, the available evidence is currently insufficient to determine the role of this variant in disease. Therefore, it has been classified as a Variant of Uncertain Significance. Algorithms developed to predict the effect of missense changes on protein structure and function output the following: SIFT: "Tolerated"; PolyPhen-2: "Benign"; Align-GVGD: "Class C0". The isoleucine amino acid residue is found in multiple mammalian species, which suggests that this missense change does not adversely affect protein function. This sequence change replaces valine, which is neutral and non-polar, with isoleucine, which is neutral and non-polar, at codon 1930 of the EYS protein (p.Val1930Ile). This variant is not present in population databases (gnomAD no frequency). This variant has not been reported in the literature in individuals affected with EYS-related conditions. ClinVar contains an entry for this variant (Variation ID: 1386249).